The following is an entry in ClinVar:

ClinVar aggregate classification (germline): Uncertain significance (1 of 4 stars; one submission).

Conditions:
Cardiovascular phenotype. Identifiers: MedGen CN230736.

Allele frequency attached by ClinVar (database versions not stated): gnomAD exomes below 0.00001; TOPMed below 0.00001; ExAC 0.00001; gnomAD 0.00001.
gnomAD v4.1: 3 of 1,613,252 alleles (0.00019%); highest among the groups gnomAD compares: African/African-American, 0.004%; no homozygotes.

Submission:

Ambry Genetics
Classification: Uncertain significance for Cardiovascular phenotype. Last evaluated: 2020-03-31. Review status: criteria provided, single submitter. Criteria: Ambry Variant Classification Scheme 2023. Collection method: clinical testing. Allele origin: germline.
Comment: The p.W14906C variant (also known as c.44718G>C), located in coding exon 153 of the TTN gene, results from a G to C substitution at nucleotide position 44718. The tryptophan at codon 14906 is replaced by cysteine, an amino acid with highly dissimilar properties. This amino acid position is highly conserved in available vertebrate species. In addition, the in silico prediction for this alteration is inconclusive. Since supporting evidence is limited at this time, the clinical significance of this alteration remains unclear.

NM_001267550.2(TTN):c.71913G>C (p.Trp23971Cys)

Genes: TTN (titin; minus strand), TTN-AS1 (TTN antisense RNA 1; plus strand). Cytogenetic location: 2q31.2.
Variant type: single nucleotide variant.
Coding change: c.71913G>C on transcript NM_001267550.2 (MANE Select); coding-DNA position 71913, G replaced by C.
Protein change: p.Trp23971Cys; replaces tryptophan 23971 with cysteine.
Molecular consequence: missense variant.
Genome position (GRCh38, 1-based): chr2:178,574,219, C>G on the plus strand (G>C on the coding strand, the complement: TTN is on the minus strand). VCF-style: chr2-178574219-C-G. GRCh37 (hg19) VCF-style: chr2-179438946-C-G.
Other names: c.66990G>C, p.Trp22330Cys (NM_001256850.1); c.44718G>C, p.Trp14906Cys (NM_003319.4); c.64209G>C, p.Trp21403Cys (NM_133378.4); c.45093G>C, p.Trp15031Cys (NM_133432.3); c.45294G>C, p.Trp15098Cys (NM_133437.4); short protein forms W14906C, W15031C, W15098C, W21403C, W22330C, W23971C.
Identifiers: ClinVar variation 1740835 (VCV001740835.2), dbSNP rs746880378, ClinGen allele CA1990567.